The following is an entry in ClinVar:

NM_022552.5(DNMT3A):c.640-1437G>A

Gene: DNMT3A (DNA methyltransferase 3 alpha; minus strand). Cytogenetic location: 2p23.3.
Variant type: single nucleotide variant.
Coding change: c.640-1437G>A on transcript NM_022552.5 (MANE Select); 1437 bases into the intron before coding-DNA position 640, G replaced by A.
Molecular consequence: intron variant. On other transcripts: missense variant (1).
Genome position (GRCh38, 1-based): chr2:25,249,689, C>T on the plus strand (G>A on the coding strand, the complement: DNMT3A is on the minus strand). VCF-style: chr2-25249689-C-T. GRCh37 (hg19) VCF-style: chr2-25472558-C-T.
Other names: c.40G>A, p.Val14Met (NM_153759.3); c.640-1437G>A (NM_175629.2); c.184-1437G>A (NM_001320893.1); c.-30-1437G>A (NM_001375819.1); short protein forms V14M.
Identifiers: ClinVar variation 3352893 (VCV003352893.1).

ClinVar aggregate classification (germline): Uncertain significance (0 of 4 stars; one submission).

Conditions:
DNMT3A-related disorder. Also called: DNMT3A-related disorders; DNMT3A-related condition.

gnomAD v4.1: 40 of 1,614,098 alleles (0.0025%); highest among the groups gnomAD compares: African/African-American, 0.004%; no homozygotes.

Submission:

PreventionGenetics, part of Exact Sciences
Classification: Uncertain significance for DNMT3A-related condition. Last evaluated: 2024-04-30. Review status: no assertion criteria provided. Collection method: clinical testing. Allele origin: germline.
Comment: The DNMT3A c.40G>A variant is predicted to result in the amino acid substitution p.Val14Met. In alternative DNMT3A transcripts, this variant is deep intronic or located in the post-coding region. To our knowledge, this variant has not been reported in the literature. This variant is reported in 0.0054% of alleles in individuals of European (Non-Finnish) descent in gnomAD. At this time, the clinical significance of this variant is uncertain due to the absence of conclusive functional and genetic evidence.